The following is an entry in ClinVar:

NM_206933.4(USH2A):c.8449C>T (p.His2817Tyr)

Gene: USH2A (usherin; minus strand). Cytogenetic location: 1q41.
Variant type: single nucleotide variant.
Coding change: c.8449C>T on transcript NM_206933.4 (MANE Select); coding-DNA position 8449, C replaced by T.
Protein change: p.His2817Tyr; replaces histidine 2817 with tyrosine.
Molecular consequence: missense variant.
Genome position (GRCh38, 1-based): chr1:215,878,873, G>A on the plus strand (C>T on the coding strand, the complement: USH2A is on the minus strand). VCF-style: chr1-215878873-G-A. GRCh37 (hg19) VCF-style: chr1-216052215-G-A.
Other names: short protein forms H2817Y.
Identifiers: ClinVar variation 4703229 (VCV004703229.1).
Genomic context (GRCh38, chr1:215,878,873, plus strand): 5'-CATATGATTCACTTAGTGGAATCACAGACAATGGGCCAACATTCTGAGGTACGGTGGGGT[G>A]AGTGGTAACATAGGTAGGTAAACTCTCTGTGCACCCTCCAAGGTACCCATTACCCCCTGA-3'
Protein context (NP_996816.3, residues 2807-2827): TESLPTYVTT[His2817Tyr]PTVPQNVGPL

ClinVar aggregate classification (germline): Uncertain significance (1 of 4 stars; one submission).

gnomAD v4.1: 9 of 1,613,948 alleles (0.00056%); highest among the groups gnomAD compares: Non-Finnish European, 0.00059%; no homozygotes.

Submission:

Labcorp Genetics (formerly Invitae), Labcorp
Classification: Uncertain significance. Last evaluated: 2025-06-03. Review status: criteria provided, single submitter. Criteria: Invitae Variant Classification Sherloc (09022015). Collection method: clinical testing. Allele origin: germline.
Comment: This sequence change replaces histidine, which is basic and polar, with tyrosine, which is neutral and polar, at codon 2817 of the USH2A protein (p.His2817Tyr). This variant is not present in population databases (gnomAD no frequency). This variant has not been reported in the literature in individuals affected with USH2A-related conditions. Invitae Evidence Modeling of protein sequence and biophysical properties (such as structural, functional, and spatial information, amino acid conservation, physicochemical variation, residue mobility, and thermodynamic stability) indicates that this missense variant is not expected to disrupt USH2A protein function with a negative predictive value of 95%. In summary, the available evidence is currently insufficient to determine the role of this variant in disease. Therefore, it has been classified as a Variant of Uncertain Significance.